The following is an entry in ClinVar:

ClinVar aggregate classification (germline): Uncertain significance (1 of 4 stars; one submission).

gnomAD v4.1: 2 of 1,610,094 alleles (0.00012%); highest among the groups gnomAD compares: Admixed American, 0.0017%; no homozygotes.

Submission:

CeGaT Center for Human Genetics Tuebingen
Classification: Uncertain significance. Last evaluated: 2025-04-01. Review status: criteria provided, single submitter. Criteria: CeGaT Center For Human Genetics Tuebingen Variant Classification Criteria Version 2. Collection method: clinical testing. Allele origin: germline. Affected: yes. Observed: 1 variant allele.
Comment: MFAP5: PM2, BP4

NM_003480.4(MFAP5):c.94+7G>A

Gene: MFAP5 (microfibril associated protein 5; minus strand). Cytogenetic location: 12p13.31.
Variant type: single nucleotide variant.
Coding change: c.94+7G>A on transcript NM_003480.4 (MANE Select); 7 bases into the intron after coding-DNA position 94, G replaced by A.
Molecular consequence: intron variant.
Genome position (GRCh38, 1-based): chr12:8,660,856, C>T on the plus strand (G>A on the coding strand, the complement: MFAP5 is on the minus strand). VCF-style: chr12-8660856-C-T. GRCh37 (hg19) VCF-style: chr12-8813452-C-T.
Other names: c.58+1191G>A (NM_001297710.2); c.94+7G>A (NM_001297711.2, NM_001297712.2, NM_001297709.2).
Identifiers: ClinVar variation 3898469 (VCV003898469.7).